The following is an entry in ClinVar:

ClinVar aggregate classification (germline): Uncertain significance. Review status: criteria provided, multiple submitters, no conflicts (2 of 4 stars). 2 submissions from 2 submitters: Uncertain significance (2). Last evaluated 2023-12-21.

Conditions:
Nephronophthisis. Also called: Juvenile Nephronophthisis. Identifiers: Orphanet 655, MedGen C0687120, MONDO:0019005, HP:0000090.

Allele frequency attached by ClinVar (database versions not stated): gnomAD 0.00001; gnomAD exomes 0.00001; ExAC 0.00002; TOPMed 0.00002.
gnomAD v4.1: 7 of 1,612,000 alleles (0.00043%); highest among the groups gnomAD compares: Non-Finnish European, 0.00051%; no homozygotes.

Submissions (2):

Labcorp Genetics (formerly Invitae), Labcorp
Classification: Uncertain significance for Nephronophthisis. Last evaluated: 2023-12-21. Review status: criteria provided, single submitter. Criteria: Invitae Variant Classification Sherloc (09022015). Collection method: clinical testing. Allele origin: germline.
Comment: This sequence change replaces phenylalanine, which is neutral and non-polar, with leucine, which is neutral and non-polar, at codon 606 of the NPHP4 protein (p.Phe606Leu). This variant is present in population databases (rs779132051, gnomAD 0.0009%). This variant has not been reported in the literature in individuals affected with NPHP4-related conditions. ClinVar contains an entry for this variant (Variation ID: 943427). Advanced modeling of protein sequence and biophysical properties (such as structural, functional, and spatial information, amino acid conservation, physicochemical variation, residue mobility, and thermodynamic stability) performed at Invitae indicates that this missense variant is expected to disrupt NPHP4 protein function with a positive predictive value of 80%. In summary, the available evidence is currently insufficient to determine the role of this variant in disease. Therefore, it has been classified as a Variant of Uncertain Significance.

Blueprint Genetics
Classification: Uncertain significance. Last evaluated: 2023-08-11. Review status: criteria provided, single submitter. Criteria: ACMG Guidelines, 2015. Collection method: clinical testing. Allele origin: germline.

NM_015102.5(NPHP4):c.1816T>C (p.Phe606Leu)

Gene: NPHP4 (nephrocystin 4; minus strand). Cytogenetic location: 1p36.31.
Variant type: single nucleotide variant.
Coding change: c.1816T>C on transcript NM_015102.5 (MANE Select); coding-DNA position 1816, T replaced by C.
Protein change: p.Phe606Leu; replaces phenylalanine 606 with leucine.
Molecular consequence: missense variant. On other transcripts: non-coding transcript variant (1).
Genome position (GRCh38, 1-based): chr1:5,905,431, A>G on the plus strand (T>C on the coding strand, the complement: NPHP4 is on the minus strand). VCF-style: chr1-5905431-A-G. GRCh37 (hg19) VCF-style: chr1-5965491-A-G.
Other names: c.277T>C, p.Phe93Leu (NM_001291593.2); c.280T>C, p.Phe94Leu (NM_001291594.2); short protein forms F606L, F93L, F94L.
Identifiers: ClinVar variation 943427 (VCV000943427.10), dbSNP rs779132051, ClinGen allele CA554356.